The following is an entry in ClinVar:

NM_002936.6(RNASEH1):c.703G>A (p.Gly235Arg)

Gene: RNASEH1 (ribonuclease H1; minus strand). Cytogenetic location: 2p25.3.
Variant type: single nucleotide variant.
Coding change: c.703G>A on transcript NM_002936.6 (MANE Select); coding-DNA position 703, G replaced by A.
Protein change: p.Gly235Arg; replaces glycine 235 with arginine.
Molecular consequence: missense variant. On other transcripts: non-coding transcript variant (7).
Genome position (GRCh38, 1-based): chr2:3,548,002, C>T on the plus strand (G>A on the coding strand, the complement: RNASEH1 is on the minus strand). VCF-style: chr2-3548002-C-T. GRCh37 (hg19) VCF-style: chr2-3595592-C-T.
Other names: c.625G>A, p.Gly209Arg (NM_001286834.3); c.352G>A, p.Gly118Arg (NM_001286837.3); c.703G>A, p.Gly235Arg (NM_001378271.1); c.700G>A, p.Gly234Arg (NM_001378272.1); c.688G>A, p.Gly230Arg (NM_001378273.1); short protein forms G118R, G234R, G235R, G209R, G230R.
Identifiers: ClinVar variation 1957849 (VCV001957849.5), dbSNP rs2528038135, ClinGen allele CA345736314.

ClinVar aggregate classification (germline): Uncertain significance (1 of 4 stars; one submission).

Allele frequency attached by ClinVar (database versions not stated): gnomAD exomes below 0.00001.
gnomAD v4.1: 1 of 1,613,896 alleles (0.000062%); highest among the groups gnomAD compares: Admixed American, 0.0017%; no homozygotes.

Submission:

Labcorp Genetics (formerly Invitae), Labcorp
Classification: Uncertain significance. Last evaluated: 2022-07-26. Review status: criteria provided, single submitter. Criteria: Invitae Variant Classification Sherloc (09022015). Collection method: clinical testing. Allele origin: germline.
Comment: This sequence change replaces glycine, which is neutral and non-polar, with arginine, which is basic and polar, at codon 235 of the RNASEH1 protein (p.Gly235Arg). This variant is not present in population databases (gnomAD no frequency). This variant has not been reported in the literature in individuals affected with RNASEH1-related conditions. Algorithms developed to predict the effect of missense changes on protein structure and function are either unavailable or do not agree on the potential impact of this missense change (SIFT: "Deleterious"; PolyPhen-2: "Probably Damaging"; Align-GVGD: "Class C15"). In summary, the available evidence is currently insufficient to determine the role of this variant in disease. Therefore, it has been classified as a Variant of Uncertain Significance.